The following is an entry in ClinVar:

NM_003791.4(MBTPS1):c.1561G>A (p.Gly521Ser)

Gene: MBTPS1 (membrane bound transcription factor peptidase, site 1; minus strand). Cytogenetic location: 16q23.3.
Variant type: single nucleotide variant.
Coding change: c.1561G>A on transcript NM_003791.4 (MANE Select); coding-DNA position 1561, G replaced by A.
Protein change: p.Gly521Ser; replaces glycine 521 with serine.
Molecular consequence: missense variant.
Genome position (GRCh38, 1-based): chr16:84,074,629, C>T on the plus strand (G>A on the coding strand, the complement: MBTPS1 is on the minus strand). VCF-style: chr16-84074629-C-T. GRCh37 (hg19) VCF-style: chr16-84108234-C-T.
Other names: short protein forms G521S.
Identifiers: ClinVar variation 4528027 (VCV004528027.1).

ClinVar aggregate classification (germline): Uncertain significance (1 of 4 stars; one submission).

gnomAD v4.1: 10 of 1,613,936 alleles (0.00062%); highest among the groups gnomAD compares: Admixed American, 0.0017%; no homozygotes.

Submission:

GeneDx
Classification: Uncertain significance. Last evaluated: 2025-05-09. Review status: criteria provided, single submitter. Criteria: GeneDx Variant Classification Process June 2021. Collection method: clinical testing. Allele origin: germline. Affected: yes.
Comment: In silico analysis supports that this missense variant has a deleterious effect on protein structure/function; Has not been previously published as pathogenic or benign to our knowledge